The following is an entry in ClinVar:

ClinVar aggregate classification (germline): Benign (1 of 4 stars; one submission).

Conditions:
Familial cancer of breast. Also called: Hereditary breast cancer; BREAST CANCER, FAMILIAL; hereditary breast carcinoma. Identifiers: Orphanet 227535, MedGen C0346153, MONDO:0016419, OMIM 114480. Disease mechanism: loss of function.

Submission:

Myriad Genetics, Inc.
Classification: Benign for Familial cancer of breast. Last evaluated: 2024-10-07. Review status: criteria provided, single submitter. Criteria: Myriad Autosomal Dominant, Autosomal Recessive and X-Linked Classification Criteria (2023). Collection method: clinical testing. Allele origin: unknown.
Comment: This variant is considered benign. This variant is a silent/synonymous amino acid change and it is not expected to impact splicing.

NM_007194.4(CHEK2):c.1179T>A (p.Pro393=)

Gene: CHEK2 (checkpoint kinase 2; minus strand). Cytogenetic location: 22q12.1.
Variant type: single nucleotide variant.
Coding change: c.1179T>A on transcript NM_007194.4 (MANE Select); coding-DNA position 1179, T replaced by A.
Protein change: p.Pro393=; no amino-acid change (proline 393 retained).
Molecular consequence: synonymous variant.
Genome position (GRCh38, 1-based): chr22:28,695,790, A>T on the plus strand (T>A on the coding strand, the complement: CHEK2 is on the minus strand). VCF-style: chr22-28695790-A-T. GRCh37 (hg19) VCF-style: chr22-29091778-A-T.
Other names: c.1308T>A, p.Pro436= (NM_001005735.3); c.516T>A, p.Pro172= (NM_001257387.3); c.978T>A, p.Pro326= (NM_001349956.3); c.1092T>A, p.Pro364= (NM_145862.3).
Identifiers: ClinVar variation 3773562 (VCV003773562.1).